The following is an entry in ClinVar:

NM_000540.3(RYR1):c.12940C>T (p.Arg4314Trp)

Gene: RYR1 (ryanodine receptor 1; plus strand). Cytogenetic location: 19q13.2.
Variant type: single nucleotide variant.
Coding change: c.12940C>T on transcript NM_000540.3 (MANE Select); coding-DNA position 12940, C replaced by T.
Protein change: p.Arg4314Trp; replaces arginine 4314 with tryptophan.
Molecular consequence: missense variant.
Genome position (GRCh38, 1-based): chr19:38,565,274, C>T. VCF-style: chr19-38565274-C-T. GRCh37 (hg19) VCF-style: chr19-39055914-C-T.
Other names: c.12925C>T, p.Arg4309Trp (NM_001042723.2); short protein forms R4309W, R4314W.
Identifiers: ClinVar variation 4873758 (VCV004873758.2).

ClinVar aggregate classification (germline): Uncertain significance (1 of 4 stars; one submission).

Submission:

CeGaT Center for Human Genetics Tuebingen
Classification: Uncertain significance. Last evaluated: 2026-04-01. Review status: criteria provided, single submitter. Criteria: CeGaT Center For Human Genetics Tuebingen Variant Classification Criteria Version 2. Collection method: clinical testing. Allele origin: germline. Affected: yes. Observed: 1 variant allele.
Comment: RYR1: PM2, PP3